The following is an entry in ClinVar:

ClinVar aggregate classification (germline): Conflicting classifications of pathogenicity. Review status: criteria provided, conflicting classifications (1 of 4 stars). 3 submissions from 3 submitters: Likely pathogenic (1); Uncertain significance (2). Last evaluated 2024-02-27.

Conditions:
Combined oxidative phosphorylation defect type 17. Also called: Combined oxidative phosphorylation deficiency 17. Identifiers: Orphanet 369913, MedGen C3809526, MONDO:0014190, OMIM 615440.

Allele frequency attached by ClinVar (database versions not stated): gnomAD below 0.00001 and 0.00001; TOPMed below 0.00001; gnomAD exomes 0.00001 and 0.00002.
gnomAD v4.1: 15 of 1,614,002 alleles (0.00093%); highest among the groups gnomAD compares: South Asian, 0.014%; no homozygotes.

Submissions (3):

Service de Génétique Médicale, Centre Hospitalier Universitaire de Nice-Université Côte d'Azur
Classification: Likely pathogenic for Combined oxidative phosphorylation defect type 17. Last evaluated: 2024-02-27. Review status: criteria provided, single submitter. Criteria: ACMG Guidelines, 2015. Collection method: clinical testing. Allele origin: germline. Affected: yes.

Revvity Omics, Revvity
Classification: Uncertain significance for Combined oxidative phosphorylation defect type 17. Last evaluated: 2020-03-26. Review status: criteria provided, single submitter. Criteria: ACMG Guidelines, 2015. Collection method: clinical testing. Allele origin: germline.

Labcorp Genetics (formerly Invitae), Labcorp
Classification: Uncertain significance for Combined oxidative phosphorylation defect type 17. Last evaluated: 2020-02-23. Review status: criteria provided, single submitter. Criteria: Invitae Variant Classification Sherloc (09022015). Collection method: clinical testing. Allele origin: germline.
Comment: This variant is not present in population databases (ExAC no frequency). This sequence change results in a premature translational stop signal in the ELAC2 gene (p.Trp197*). While this is not anticipated to result in nonsense mediated decay, it is expected to disrupt the last 630 amino acids of the ELAC2 protein. This variant has not been reported in the literature in individuals with ELAC2-related conditions. Experimental studies and prediction algorithms are not available or were not evaluated, and the functional significance of this variant is currently unknown. In summary, the available evidence is currently insufficient to determine the role of this variant in disease. Therefore, it has been classified as a Variant of Uncertain Significance.

Literature cited by the submitters: PubMed 38703036 (cited by Service de Génétique Médicale, Centre Hospitalier Universitaire de Nice-Université Côte d'Azur).

NM_018127.7(ELAC2):c.591G>A (p.Trp197Ter)

Gene: ELAC2 (elaC ribonuclease Z 2; minus strand). Cytogenetic location: 17p12.
Variant type: single nucleotide variant.
Coding change: c.591G>A on transcript NM_018127.7 (MANE Select); coding-DNA position 591, G replaced by A.
Protein change: p.Trp197Ter; replaces tryptophan 197 with a stop codon.
Molecular consequence: nonsense. On other transcripts: intron variant (1).
Genome position (GRCh38, 1-based): chr17:13,011,751, C>T on the plus strand (G>A on the coding strand, the complement: ELAC2 is on the minus strand). VCF-style: chr17-13011751-C-T. GRCh37 (hg19) VCF-style: chr17-12915068-C-T.
Other names: c.591G>A, p.Trp197Ter (NM_173717.2); c.560-1080G>A (NM_001165962.2); c.591G>A (NM_018127.6); short protein forms W197*.
Identifiers: ClinVar variation 1016087 (VCV001016087.9), dbSNP rs1359575116, ClinGen allele CA398217553.